The following is an entry in ClinVar:

NM_001042492.3(NF1):c.3711T>G (p.Asp1237Glu)

Gene: NF1 (neurofibromin 1; plus strand). Cytogenetic location: 17q11.2.
Variant type: single nucleotide variant.
Coding change: c.3711T>G on transcript NM_001042492.3 (MANE Select); coding-DNA position 3711, T replaced by G.
Protein change: p.Asp1237Glu; replaces aspartic acid 1237 with glutamic acid.
Molecular consequence: missense variant.
Genome position (GRCh38, 1-based): chr17:31,235,613, T>G. VCF-style: chr17-31235613-T-G. GRCh37 (hg19) VCF-style: chr17-29562631-T-G.
Other names: c.3711T>G, p.Asp1237Glu (NM_000267.4); short protein forms D1237E.
Identifiers: ClinVar variation 232680 (VCV000232680.10), dbSNP rs876659917, ClinGen allele CA10580291.

ClinVar aggregate classification (germline): Uncertain significance. Review status: criteria provided, multiple submitters, no conflicts (2 of 4 stars). 3 submissions from 3 submitters: Uncertain significance (3). Last evaluated 2025-09-10.

Conditions:
Hereditary cancer-predisposing syndrome. Also called: Hereditary Cancer Syndrome; Neoplastic Syndromes, Hereditary; Tumor predisposition; Hereditary neoplastic syndrome. Identifiers: Orphanet 140162, MedGen C0027672, MeSH D009386, MONDO:0015356.
Neurofibromatosis, type 1 (NF1). Also called: Neurofibromatosis, type I; VON RECKLINGHAUSEN DISEASE; NEUROFIBROMATOSIS, TYPE I, SOMATIC; Peripheral type neurofibromatosis. Identifiers: Orphanet 636, MedGen C0027831, MONDO:0018975, OMIM 162200. Disease mechanism: loss of function.

Allele frequency attached by ClinVar (database versions not stated): gnomAD exomes below 0.00001.
gnomAD v4.1: 1 of 1,614,074 alleles (0.000062%); highest among the groups gnomAD compares: Non-Finnish European, 0.000085%; no homozygotes.

Submissions (3):

Labcorp Genetics (formerly Invitae), Labcorp
Classification: Uncertain significance for Neurofibromatosis, type 1. Last evaluated: 2025-09-10. Review status: criteria provided, single submitter. Criteria: Invitae Variant Classification Sherloc (09022015). Collection method: clinical testing. Allele origin: germline.
Comment: This sequence change replaces aspartic acid, which is acidic and polar, with glutamic acid, which is acidic and polar, at codon 1237 of the NF1 protein (p.Asp1237Glu). This variant is not present in population databases (gnomAD no frequency). This variant has not been reported in the literature in individuals affected with NF1-related conditions. ClinVar contains an entry for this variant (Variation ID: 232680). An algorithm developed to predict the effect of missense changes on protein structure and function (PolyPhen-2) suggests that this variant is likely to be disruptive. In summary, the available evidence is currently insufficient to determine the role of this variant in disease. Therefore, it has been classified as a Variant of Uncertain Significance.

Genome-Nilou Lab
Classification: Uncertain significance for Neurofibromatosis, type 1. Last evaluated: 2022-03-15. Review status: criteria provided, single submitter. Criteria: ACMG Guidelines, 2015. Collection method: clinical testing. Allele origin: germline. Affected: no.

Ambry Genetics
Classification: Uncertain significance for Hereditary cancer-predisposing syndrome. Last evaluated: 2015-06-30. Review status: criteria provided, single submitter. Criteria: Ambry Autosomal Dominant and X-Linked criteria (10/2015). Collection method: clinical testing. Allele origin: germline. Observed: 1 variant allele.
Comment: The p.D1237E variant (also known as c.3711T>G), located in coding exon 28 of the NF1 gene, results from a T to G substitution at nucleotide position 3711. The aspartic acid at codon 1237 is replaced by glutamic acid, an amino acid with highly similar properties. This variant was not reported in population based cohorts in the following databases: Database of Single Nucleotide Polymorphisms (dbSNP), NHLBI Exome Sequencing Project (ESP), and 1000 Genomes Project. In the ESP, this variant was not observed in 6503 samples (13006 alleles) with coverage at this position. To date, this alteration has been detected with an allele frequency of approximately 0.002% (greater than 55000alleles tested) in our clinical cohort.This amino acid position is highly conserved in available vertebrate species. In addition, this alteration is predicted to be deleterious by in silico analysis.Since supporting evidence is limited at this time, the clinical significance of p.D1237Eremains unclear.